The following is an entry in ClinVar:

ClinVar aggregate classification (germline): Uncertain significance (1 of 4 stars; one submission).

gnomAD v4.1: 2 of 1,611,696 alleles (0.00012%); highest among the groups gnomAD compares: Non-Finnish European, 0.00017%; no homozygotes.

Submission:

GeneDx
Classification: Uncertain significance. Last evaluated: 2020-12-28. Review status: criteria provided, single submitter. Criteria: GeneDx Variant Classification Process June 2021. Collection method: clinical testing. Allele origin: germline. Affected: yes.
Comment: Has not been previously published as pathogenic or benign to our knowledge; Not observed in large population cohorts (Lek et al., 2016); In silico analysis supports that this variant does not alter splicing

NM_003242.6(TGFBR2):c.94+16260C>T

Gene: TGFBR2 (transforming growth factor beta receptor 2; plus strand). Cytogenetic location: 3p24.1.
Variant type: single nucleotide variant.
Coding change: c.94+16260C>T on transcript NM_003242.6 (MANE Select); 16260 bases into the intron after coding-DNA position 94, C replaced by T.
Molecular consequence: intron variant. On other transcripts: missense variant (5).
Genome position (GRCh38, 1-based): chr3:30,623,237, C>T. VCF-style: chr3-30623237-C-T. GRCh37 (hg19) VCF-style: chr3-30664729-C-T.
Other names: c.133C>T, p.Pro45Ser (NM_001024847.3, NM_001407126.1, NM_001407137.1 and 1 more transcripts); c.85C>T, p.Pro29Ser (NM_001407128.1); c.-151C>T (NM_001407133.1); c.-161C>T (NM_001407136.1); short protein forms P45S, P29S.
Identifiers: ClinVar variation 1303799 (VCV001303799.3), dbSNP rs113474008, ClinGen allele CA351830757.
Genomic context (GRCh38, chr3:30,623,237, plus strand): 5'-ATATAATTATCCTGTTTTACAGATGTGGAAATGGAGGCCCAGAAAGATGAAATCATCTGC[C>T]CCAGCTGTAATAGGACTGCCCATCCACTGAGACATAGTAAAGTATCATTAATTAATCTTT-3'